The following is an entry in ClinVar:

ClinVar aggregate classification (germline): Uncertain significance. Review status: criteria provided, multiple submitters, no conflicts (2 of 4 stars). 2 submissions from 2 submitters: Uncertain significance (2). Last evaluated 2021-06-14.

Conditions:
Intellectual developmental disorder, autosomal dominant 53. Also called: Intellectual disability, autosomal dominant 53; MENTAL RETARDATION, AUTOSOMAL DOMINANT 53. Identifiers: MedGen C4540481, MONDO:0030919, OMIM 617798.

Submissions (2):

University of Washington Department of Laboratory Medicine, University of Washington
Classification: Uncertain significance for Intellectual developmental disorder, autosomal dominant 53. Last evaluated: 2021-06-14. Review status: criteria provided, single submitter. Criteria: ACMG Guidelines, 2015. Collection method: clinical testing. Allele origin: unknown. Affected: yes.
Comment: The p.Glu343Asp variant in the CAMK2A gene has not been previously reported in association with disease. This variant was absent from large population databases, including the Genome Aggregation Database. Using ACMG guidelines, this variant was classified as a variant of uncertain significance (ACMG evidence codes used: PM2_supporting).

Labcorp Genetics (formerly Invitae), Labcorp
Classification: Uncertain significance. Last evaluated: 2021-01-09. Review status: criteria provided, single submitter. Criteria: Invitae Variant Classification Sherloc (09022015). Collection method: clinical testing. Allele origin: germline.
Comment: This sequence change replaces glutamic acid with aspartic acid at codon 343 of the CAMK2A protein (p.Glu343Asp). The glutamic acid residue is highly conserved and there is a small physicochemical difference between glutamic acid and aspartic acid. This variant is not present in population databases (ExAC no frequency). In summary, the available evidence is currently insufficient to determine the role of this variant in disease. Therefore, it has been classified as a Variant of Uncertain Significance. Algorithms developed to predict the effect of missense changes on protein structure and function are either unavailable or do not agree on the potential impact of this missense change (SIFT: "Deleterious"; PolyPhen-2: "Benign"; Align-GVGD: "Class C35"). This variant has not been reported in the literature in individuals with CAMK2A-related conditions.

NM_015981.4(CAMK2A):c.1029G>C (p.Glu343Asp)

Gene: CAMK2A (calcium/calmodulin dependent protein kinase II alpha; minus strand). Cytogenetic location: 5q32.
Variant type: single nucleotide variant.
Coding change: c.1029G>C on transcript NM_015981.4 (MANE Select); coding-DNA position 1029, G replaced by C.
Protein change: p.Glu343Asp; replaces glutamic acid 343 with aspartic acid.
Molecular consequence: missense variant.
Genome position (GRCh38, 1-based): chr5:150,238,737, C>G on the plus strand (G>C on the coding strand, the complement: CAMK2A is on the minus strand). VCF-style: chr5-150238737-C-G. GRCh37 (hg19) VCF-style: chr5-149618300-C-G.
Other names: c.1029G>C, p.Glu343Asp (NM_001363989.1); c.996G>C, p.Glu332Asp (NM_001363990.1, NM_001369025.2, NM_171825.3); c.1029G>C (NM_015981.3); short protein forms E332D, E343D.
Identifiers: ClinVar variation 1420622 (VCV001420622.9), dbSNP rs770841322, ClinGen allele CA129139929.